The following is an entry in ClinVar:

ClinVar aggregate classification (germline): Uncertain significance (1 of 4 stars; one submission).

gnomAD v4.1: 1 of 1,613,722 alleles (0.000062%); highest among the groups gnomAD compares: Admixed American, 0.0017%; no homozygotes.

Submission:

Ambry Genetics
Classification: Uncertain significance. Last evaluated: 2024-12-15. Review status: criteria provided, single submitter. Criteria: Ambry Variant Classification Scheme 2023. Collection method: clinical testing. Allele origin: germline.
Comment: The p.D196E variant (also known as c.588T>A), located in coding exon 4 of the ATRIP gene, results from a T to A substitution at nucleotide position 588. The aspartic acid at codon 196 is replaced by glutamic acid, an amino acid with highly similar properties. This amino acid position is conserved. In addition, this alteration is predicted to be tolerated by in silico analysis. Based on the available evidence, the clinical significance of this variant remains unclear.

NM_130384.3(ATRIP):c.588T>A (p.Asp196Glu)

Genes: ATRIP (ATR interacting protein; plus strand), ATRIP-TREX1 (ATRIP-TREX1 readthrough; plus strand). Cytogenetic location: 3p21.31.
Variant type: single nucleotide variant.
Coding change: c.588T>A on transcript NM_130384.3 (MANE Select); coding-DNA position 588, T replaced by A.
Protein change: p.Asp196Glu; replaces aspartic acid 196 with glutamic acid.
Molecular consequence: missense variant. On other transcripts: non-coding transcript variant (1).
Genome position (GRCh38, 1-based): chr3:48,454,335, T>A. VCF-style: chr3-48454335-T-A. GRCh37 (hg19) VCF-style: chr3-48495735-T-A.
Other names: c.207T>A, p.Asp69Glu (NM_001271022.2); c.309T>A, p.Asp103Glu (NM_001271023.2); c.588T>A, p.Asp196Glu (NM_032166.4); short protein forms D69E, D103E, D196E.
Identifiers: ClinVar variation 3809040 (VCV003809040.1).